The following is an entry in ClinVar:

ClinVar aggregate classification (germline): Uncertain significance (1 of 4 stars; one submission).

Allele frequency attached by ClinVar (database versions not stated): ExAC 0.00001; gnomAD 0.00001; TOPMed 0.00002.
gnomAD v4.1: 13 of 1,613,856 alleles (0.00081%); highest among the groups gnomAD compares: South Asian, 0.0011%; no homozygotes.

Submission:

Labcorp Genetics (formerly Invitae), Labcorp
Classification: Uncertain significance. Last evaluated: 2022-07-06. Review status: criteria provided, single submitter. Criteria: Invitae Variant Classification Sherloc (09022015). Collection method: clinical testing. Allele origin: germline.
Comment: In summary, the available evidence is currently insufficient to determine the role of this variant in disease. Therefore, it has been classified as a Variant of Uncertain Significance. Algorithms developed to predict the effect of missense changes on protein structure and function are either unavailable or do not agree on the potential impact of this missense change (SIFT: "Deleterious"; PolyPhen-2: "Possibly Damaging"; Align-GVGD: "Class C15"). This variant has not been reported in the literature in individuals affected with C17orf62-related conditions. This variant is present in population databases (rs754581937, gnomAD 0.003%). This sequence change replaces leucine, which is neutral and non-polar, with proline, which is neutral and non-polar, at codon 45 of the C17orf62 protein (p.Leu45Pro).

NM_001033046.4(CYBC1):c.134T>C (p.Leu45Pro)

Gene: CYBC1 (cytochrome b-245 chaperone 1; minus strand). Cytogenetic location: 17q25.3.
Variant type: single nucleotide variant.
Coding change: c.134T>C on transcript NM_001033046.4 (MANE Select); coding-DNA position 134, T replaced by C.
Protein change: p.Leu45Pro; replaces leucine 45 with proline.
Molecular consequence: missense variant. On other transcripts: non-coding transcript variant (2).
Genome position (GRCh38, 1-based): chr17:82,446,690, A>G on the plus strand (T>C on the coding strand, the complement: CYBC1 is on the minus strand). VCF-style: chr17-82446690-A-G. GRCh37 (hg19) VCF-style: chr17-80404566-A-G.
Other names: c.134T>C, p.Leu45Pro (NM_001100407.3, NM_001193653.2, NM_001193654.2 and 2 more transcripts); c.92T>C, p.Leu31Pro (NM_001100408.3); short protein forms L31P, L45P.
Identifiers: ClinVar variation 1951184 (VCV001951184.5), dbSNP rs754581937, ClinGen allele CA8858345.